The following is an entry in ClinVar:

ClinVar aggregate classification (germline): Uncertain significance (1 of 4 stars; one submission).

Conditions:
TTN-related disorder. Also called: TTN-related condition; TTN-related disease; TTN-related disorders.

Allele frequency attached by ClinVar (database versions not stated): ExAC 0.00001; gnomAD 0.00001; gnomAD exomes 0.00002.
gnomAD v4.1: 33 of 1,611,844 alleles (0.002%); highest among the groups gnomAD compares: Non-Finnish European, 0.0027%; no homozygotes.

Submission:

PreventionGenetics, part of Exact Sciences
Classification: Uncertain significance for TTN-related condition. Last evaluated: 2023-09-13. Review status: criteria provided, single submitter. Criteria: ACMG Guidelines, 2015. Collection method: clinical testing. Allele origin: germline.
Comment: The TTN c.14626G>A variant is predicted to result in the amino acid substitution p.Gly4876Arg. This variant is referred to as c.11311+5350G>A (intronic) with an alternate transcript NM_001267550. To our knowledge, this variant has not been reported in the literature. This variant is reported in 0.0016% of alleles in individuals of European (Non-Finnish) descent in gnomAD. At this time, the clinical significance of this variant is uncertain due to the absence of conclusive functional and genetic evidence.

NM_001267550.2(TTN):c.11311+5350G>A

Genes: TTN (titin; minus strand), LOC126806432 (CDK7 strongly-dependent group 2 enhancer GRCh37_chr2:179611985-179613184; plus strand). Cytogenetic location: 2q31.2.
Variant type: single nucleotide variant.
Coding change: c.11311+5350G>A on transcript NM_001267550.2 (MANE Select); 5350 bases into the intron after coding-DNA position 11311, G replaced by A.
Molecular consequence: intron variant. On other transcripts: missense variant (1).
Genome position (GRCh38, 1-based): chr2:178,747,774, C>T on the plus strand (G>A on the coding strand, the complement: TTN is on the minus strand). VCF-style: chr2-178747774-C-T. GRCh37 (hg19) VCF-style: chr2-179612501-C-T.
Other names: c.14626G>A, p.Gly4876Arg (NM_133379.5); c.10222+5350G>A (NM_003319.4); c.10798+5350G>A (NM_133437.4); c.10597+5350G>A (NM_133432.3); c.10360+5350G>A (NM_133378.4, NM_001256850.1); short protein forms G4876R.
Identifiers: ClinVar variation 2629133 (VCV002629133.1), dbSNP rs779954160, ClinGen allele CA2003225.